The following is an entry in ClinVar:

ClinVar aggregate classification (germline): Likely pathogenic. Review status: criteria provided, multiple submitters, no conflicts (2 of 4 stars). 3 submissions from 3 submitters: Likely pathogenic (2). 1 of the submissions does not count toward it. Last evaluated 2025-08-18.

Conditions:
Aromatase deficiency. Also called: PSEUDOHERMAPHRODITISM, FEMALE, DUE TO PLACENTAL AROMATASE DEFICIENCY; Increased aromatase activity. Identifiers: Orphanet 91, MedGen C1960539, MONDO:0013301, OMIM 613546.

Allele frequency attached by ClinVar (database versions not stated): gnomAD exomes below 0.00001; gnomAD 0.00001.
gnomAD v4.1: 4 of 1,593,334 alleles (0.00025%); highest among the groups gnomAD compares: South Asian, 0.0011%; no homozygotes.

Submissions (3):

Natera, Inc.
Classification: Likely pathogenic for Aromatase deficiency. Last evaluated: 2025-08-18. Review status: criteria provided, single submitter. Criteria: Natera Variant Classification Schema (03/2026). Collection method: clinical testing. Allele origin: germline.
Comment: The c.1094G>A variant in CYP19A1 is a missense variant predicted to cause substitution of arginine to glutamine at amino acid 365. This variant is rare in the general population with a frequency below the threshold expected for the associated phenotype(s). This variant has been observed in one or more individuals affected with the associated recessive disease, as either homozygous or compound heterozygous with a second variant (PMID: 9211678). Functional studies show that this variant may disrupt protein function (PMID: 9211678). Computational prediction algorithms indicate this variant is likely to affect gene or protein function. Given the available evidence, this variant is classified as Likely Pathogenic.

Laboratorio de Genetica e Diagnostico Molecular, Hospital Israelita Albert Einstein
Classification: Likely pathogenic for Aromatase deficiency. Last evaluated: 2022-07-29. Review status: criteria provided, single submitter. Criteria: ACMG Guidelines, 2015. Collection method: clinical testing. Allele origin: germline. Affected: yes. Observed: 1 variant allele.
Comment: ACMG classification criteria: PS3 supporting, PS4 supporting, PM2 moderated, PM3 supporting, PP3 supporting

OMIM
Classification: Pathogenic for AROMATASE DEFICIENCY. Last evaluated: 1997-07-10. Review status: no assertion criteria provided. Collection method: literature only. Allele origin: germline. Not counted in ClinVar's aggregate classification.

Literature cited by the submitters: PubMed 9211678 (cited by Natera, Inc. and OMIM).

NM_000103.4(CYP19A1):c.1094G>A (p.Arg365Gln)

Genes: CYP19A1 (cytochrome P450 family 19 subfamily A member 1; minus strand), MIR4713HG (MIR4713 host gene; plus strand), PIRC66 (piwi-interacting RNA cluster 66; plus strand). Cytogenetic location: 15q21.2.
Variant type: single nucleotide variant.
Coding change: c.1094G>A on transcript NM_000103.4 (MANE Select); coding-DNA position 1094, G replaced by A.
Protein change: p.Arg365Gln; replaces arginine 365 with glutamine.
Molecular consequence: missense variant.
Genome position (GRCh38, 1-based): chr15:51,212,489, C>T on the plus strand (G>A on the coding strand, the complement: CYP19A1 is on the minus strand). VCF-style: chr15-51212489-C-T. GRCh37 (hg19) VCF-style: chr15-51504686-C-T.
Other names: c.1094G>A, p.Arg365Gln (NM_001347248.1, NM_001347249.2, NM_001347250.2 and 7 more transcripts); c.1094G>A (NM_031226.2); short protein forms R365Q.
Identifiers: ClinVar variation 17821 (VCV000017821.3), dbSNP rs80051519, ClinGen allele CA127460.